The following is an entry in ClinVar:

NM_152263.4(TPM3):c.181T>C (p.Tyr61His)

Gene: TPM3 (tropomyosin 3; minus strand). Cytogenetic location: 1q21.3.
Variant type: single nucleotide variant.
Coding change: c.181T>C on transcript NM_152263.4 (MANE Select); coding-DNA position 181, T replaced by C.
Protein change: p.Tyr61His; replaces tyrosine 61 with histidine.
Molecular consequence: missense variant. On other transcripts: non-coding transcript variant (1).
Genome position (GRCh38, 1-based): chr1:154,191,248, A>G on the plus strand (T>C on the coding strand, the complement: TPM3 is on the minus strand). VCF-style: chr1-154191248-A-G. GRCh37 (hg19) VCF-style: chr1-154163724-A-G.
Other names: c.181T>C, p.Tyr61His (NM_001364679.2, NM_001364680.2, NM_001364681.2 and 1 more transcripts); short protein forms Y61H.
Identifiers: ClinVar variation 4790735 (VCV004790735.1).

ClinVar aggregate classification (germline): Uncertain significance (1 of 4 stars; one submission).

Conditions:
Congenital myopathy 4B, autosomal recessive. Also called: Nemaline myopathy 1, autosomal dominant or recessive. Identifiers: Orphanet 171433, Orphanet 171439, Orphanet 171881, MedGen C5829889, MONDO:0012239, OMIM 609284.
Congenital myopathy with fiber type disproportion. Also called: Congenital fiber-type disproportion; Congenital fiber-type disproportion myopathy. Identifiers: Orphanet 2020, MedGen C0546264, MONDO:0009711. Inheritance: all.

Submission:

Labcorp Genetics (formerly Invitae), Labcorp
Classification: Uncertain significance for Congenital myopathy with fiber type disproportion; Congenital myopathy 4B, autosomal recessive. Last evaluated: 2025-06-11. Review status: criteria provided, single submitter. Criteria: Invitae Variant Classification Sherloc (09022015). Collection method: clinical testing. Allele origin: germline.
Comment: This sequence change replaces tyrosine, which is neutral and polar, with histidine, which is basic and polar, at codon 61 of the TPM3 protein (p.Tyr61His). This variant is not present in population databases (gnomAD no frequency). This variant has not been reported in the literature in individuals affected with TPM3-related conditions. Invitae Evidence Modeling of protein sequence and biophysical properties (such as structural, functional, and spatial information, amino acid conservation, physicochemical variation, residue mobility, and thermodynamic stability) indicates that this missense variant is not expected to disrupt TPM3 protein function with a negative predictive value of 80%. In summary, the available evidence is currently insufficient to determine the role of this variant in disease. Therefore, it has been classified as a Variant of Uncertain Significance.